The following is an entry in ClinVar:

ClinVar aggregate classification (germline): Uncertain significance (1 of 4 stars; one submission).

Conditions:
Hereditary cancer-predisposing syndrome. Also called: Neoplastic Syndromes, Hereditary; Tumor predisposition; Hereditary Cancer Syndrome; Hereditary neoplastic syndrome. Identifiers: Orphanet 140162, MedGen C0027672, MeSH D009386, MONDO:0015356.

Submission:

Ambry Genetics
Classification: Uncertain significance for Hereditary cancer-predisposing syndrome. Last evaluated: 2025-09-17. Review status: criteria provided, single submitter. Criteria: Ambry Variant Classification Scheme 2023. Collection method: clinical testing. Allele origin: germline.
Comment: The p.S472P variant (also known as c.1414T>C), located in coding exon 4 of the MSH6 gene, results from a T to C substitution at nucleotide position 1414. The serine at codon 472 is replaced by proline, an amino acid with similar properties. This amino acid position is conserved. In addition, the in silico prediction for this alteration is inconclusive. Based on the available evidence, the clinical significance of this variant remains unclear.

NM_000179.3(MSH6):c.1414T>C (p.Ser472Pro)

Gene: MSH6 (mutS homolog 6; plus strand). Cytogenetic location: 2p16.3.
Variant type: single nucleotide variant.
Coding change: c.1414T>C on transcript NM_000179.3 (MANE Select); coding-DNA position 1414, T replaced by C.
Protein change: p.Ser472Pro; replaces serine 472 with proline.
Molecular consequence: missense variant. On other transcripts: non-coding transcript variant (4), intron variant (1).
Genome position (GRCh38, 1-based): chr2:47,799,397, T>C. VCF-style: chr2-47799397-T-C. GRCh37 (hg19) VCF-style: chr2-48026536-T-C.
Other names: c.1024T>C, p.Ser342Pro (NM_001281492.2); c.508T>C, p.Ser170Pro (NM_001281493.2, NM_001281494.2, NM_001406811.1 and 6 more transcripts); c.1510T>C, p.Ser504Pro (NM_001406795.1, NM_001406802.1); c.1414T>C, p.Ser472Pro (NM_001406796.1, NM_001406798.1, NM_001406800.1 and 4 more transcripts); c.1117T>C, p.Ser373Pro (NM_001406797.1, NM_001406801.1, NM_001406805.1 and 10 more transcripts); c.889T>C, p.Ser297Pro (NM_001406799.1, NM_001406806.1, NM_001406807.1); c.1336T>C, p.Ser446Pro (NM_001406804.1); c.1420T>C, p.Ser474Pro (NM_001406813.1); and 2 more; short protein forms S297P, S504P, S170P, S373P, S446P, S474P, S472P, S342P.
Identifiers: ClinVar variation 4657380 (VCV004657380.1).